The following is an entry in ClinVar:

ClinVar aggregate classification (germline): Uncertain significance (1 of 4 stars; one submission).

Conditions:
Primary ciliary dyskinesia 33. Also called: CILIARY DYSKINESIA, PRIMARY, 33, WITHOUT SITUS INVERSUS. Identifiers: Orphanet 244, MedGen C4225230, MONDO:0014750, OMIM 616726.

Submission:

Labcorp Genetics (formerly Invitae), Labcorp
Classification: Uncertain significance for Primary ciliary dyskinesia 33. Last evaluated: 2022-02-12. Review status: criteria provided, single submitter. Criteria: Invitae Variant Classification Sherloc (09022015). Collection method: clinical testing. Allele origin: germline.
Comment: This variant is not present in population databases (gnomAD no frequency). This variant has not been reported in the literature in individuals affected with GAS8-related conditions. Algorithms developed to predict the effect of missense changes on protein structure and function are either unavailable or do not agree on the potential impact of this missense change (SIFT: "Tolerated"; PolyPhen-2: "Possibly Damaging"; Align-GVGD: "Class C0"). In summary, the available evidence is currently insufficient to determine the role of this variant in disease. Therefore, it has been classified as a Variant of Uncertain Significance. This sequence change replaces glutamic acid, which is acidic and polar, with lysine, which is basic and polar, at codon 83 of the GAS8 protein (p.Glu83Lys).

NM_001481.3(DRC4):c.247G>A (p.Glu83Lys)

Gene: DRC4 (dynein regulatory complex subunit 4; plus strand). Cytogenetic location: 16q24.3.
Variant type: single nucleotide variant.
Coding change: c.247G>A on transcript NM_001481.3 (MANE Select); coding-DNA position 247, G replaced by A.
Protein change: p.Glu83Lys; replaces glutamic acid 83 with lysine.
Molecular consequence: missense variant. On other transcripts: 5 prime UTR variant (2).
Genome position (GRCh38, 1-based): chr16:90,031,455, G>A. VCF-style: chr16-90031455-G-A. GRCh37 (hg19) VCF-style: chr16-90097863-G-A.
Other names: c.-3G>A (NM_001286205.2); c.-275G>A (NM_001286208.2); c.172G>A, p.Glu58Lys (NM_001286209.2); short protein forms E83K, E58K.
Identifiers: ClinVar variation 2097319 (VCV002097319.4), dbSNP rs2543466857, ClinGen allele CA397461152.